The following is an entry in ClinVar:

NM_000090.4(COL3A1):c.3697G>C (p.Glu1233Gln)

Gene: COL3A1 (collagen type III alpha 1 chain; plus strand). Cytogenetic location: 2q32.2.
Variant type: single nucleotide variant.
Coding change: c.3697G>C on transcript NM_000090.4 (MANE Select); coding-DNA position 3697, G replaced by C.
Protein change: p.Glu1233Gln; replaces glutamic acid 1233 with glutamine.
Molecular consequence: missense variant.
Genome position (GRCh38, 1-based): chr2:189,009,095, G>C. VCF-style: chr2-189009095-G-C. GRCh37 (hg19) VCF-style: chr2-189873821-G-C.
Other names: short protein forms E1233Q.
Identifiers: ClinVar variation 3074802 (VCV003074802.2), dbSNP rs1688662216, ClinGen allele CA349847194.

ClinVar aggregate classification (germline): Uncertain significance. Review status: criteria provided, multiple submitters, no conflicts (2 of 4 stars). 2 submissions from 2 submitters: Uncertain significance (2). Last evaluated 2026-06-25.

Conditions:
Familial thoracic aortic aneurysm and aortic dissection (TAAD). Also called: Thoracic aortic aneurysms and dissections. Identifiers: Orphanet 91387, MedGen C4707243, MONDO:0019625.
Ehlers-Danlos syndrome, type 4 (EDSVASC). Also called: Ehlers-Danlos Syndrome Type IV; Ehlers-Danlos syndrome vascular type; Ehlers Danlos syndrome, ecchymotic type; Ehlers Danlos syndrome, arterial type; Ehlers Danlos syndrome, Sack-Barabas type. Identifiers: Orphanet 286, MedGen C0268338, MONDO:0017314, OMIM 130050.

Submissions (2):

Ambry Genetics
Classification: Uncertain significance for Familial thoracic aortic aneurysm and aortic dissection. Last evaluated: 2026-06-25. Review status: criteria provided, single submitter. Criteria: Ambry Variant Classification Scheme 2023. Collection method: clinical testing. Allele origin: germline.
Comment: The p.E1233Q variant (also known as c.3697G>C), located in coding exon 48 of the COL3A1 gene, results from a G to C substitution at nucleotide position 3697. The glutamic acid at codon 1233 is replaced by glutamine, an amino acid with highly similar properties. This amino acid position is conserved. In addition, the in silico prediction for this alteration is inconclusive. Based on the available evidence, the clinical significance of this variant remains unclear.

All of Us Research Program, National Institutes of Health
Classification: Uncertain significance for Ehlers-Danlos syndrome, type 4. Last evaluated: 2023-12-13. Review status: criteria provided, single submitter. Criteria: ACMG Guidelines, 2015. Collection method: clinical testing. Allele origin: germline. Inheritance: Autosomal dominant inheritance. Observed: 1 variant allele, 1 heterozygote.
Comment: This missense variant replaces glutamic acid with glutamine at codon 1233 of the COL3A1 protein. Computational prediction is inconclusive regarding the impact of this variant on protein structure and function (internally defined REVEL score threshold 0.5 < inconclusive < 0.7, PMID: 27666373). To our knowledge, functional studies have not been reported for this variant. This variant has not been reported in individuals affected with COL3A1-related disorders in the literature. This variant has not been identified in the general population by the Genome Aggregation Database (gnomAD). The available evidence is insufficient to determine the role of this variant in disease conclusively. Therefore, this variant is classified as a Variant of Uncertain Significance.

This study involves interpretation of variants in research participants for the purpose of population health screening. Participant phenotype was not available at the time of variant classification. Additional details can be found in publication PMID: 35346344, PMCID: PMC8962531